The following is an entry in ClinVar:

NM_000553.6(WRN):c.2095A>G (p.Ile699Val)

Gene: WRN (WRN RecQ like helicase; plus strand). Cytogenetic location: 8p12.
Variant type: single nucleotide variant.
Coding change: c.2095A>G on transcript NM_000553.6 (MANE Select); coding-DNA position 2095, A replaced by G.
Protein change: p.Ile699Val; replaces isoleucine 699 with valine.
Molecular consequence: missense variant.
Genome position (GRCh38, 1-based): chr8:31,111,621, A>G. VCF-style: chr8-31111621-A-G. GRCh37 (hg19) VCF-style: chr8-30969137-A-G.
Other names: short protein forms I699V.
Identifiers: ClinVar variation 458400 (VCV000458400.8), dbSNP rs756115593, ClinGen allele CA4704641.

ClinVar aggregate classification (germline): Uncertain significance (1 of 4 stars; one submission).

Conditions:
Werner syndrome (WRN). Identifiers: Orphanet 902, MedGen C0043119, MONDO:0010196, OMIM 277700.

Allele frequency attached by ClinVar (database versions not stated): gnomAD exomes below 0.00001; ExAC 0.00001; gnomAD 0.00001.
gnomAD v4.1: 3 of 1,613,910 alleles (0.00019%); highest among the groups gnomAD compares: African/African-American, 0.0013%; no homozygotes.

Submission:

Labcorp Genetics (formerly Invitae), Labcorp
Classification: Uncertain significance for Werner syndrome. Last evaluated: 2025-09-10. Review status: criteria provided, single submitter. Criteria: Invitae Variant Classification Sherloc (09022015). Collection method: clinical testing. Allele origin: germline.
Comment: This sequence change replaces isoleucine, which is neutral and non-polar, with valine, which is neutral and non-polar, at codon 699 of the WRN protein (p.Ile699Val). This variant is present in population databases (rs756115593, gnomAD 0.0009%). This variant has not been reported in the literature in individuals affected with WRN-related conditions. ClinVar contains an entry for this variant (Variation ID: 458400). An algorithm developed to predict the effect of missense changes on protein structure and function outputs the following: PolyPhen-2: "Benign". The valine amino acid residue is found in multiple mammalian species, which suggests that this missense change does not adversely affect protein function. In summary, the available evidence is currently insufficient to determine the role of this variant in disease. Therefore, it has been classified as a Variant of Uncertain Significance.